The following is an entry in ClinVar:

ClinVar aggregate classification (germline): Likely benign (1 of 4 stars; one submission).

Conditions:
VAX1-related disorder. Also called: VAX1-related condition.

Submission:

PreventionGenetics, part of Exact Sciences
Classification: Likely benign for VAX1-related condition. Last evaluated: 2025-12-10. Review status: criteria provided, single submitter. Criteria: ACMG Guidelines, 2015. Collection method: clinical testing. Allele origin: germline.
Comment: This variant is classified as likely benign based on ACMG/AMP sequence variant interpretation guidelines (Richards et al. 2015 PMID: 25741868, with internal and published modifications).

NC_000010.11:g.117132208A>G

Gene: VAX1 (ventral anterior homeobox 1; minus strand). Cytogenetic location: 10q25.3.
Variant type: single nucleotide variant.
Molecular consequence: 3 prime UTR variant (on NM_199131.3).
Genome position: GRCh38 VCF-style: chr10-117132208-A-G. GRCh37 (hg19) VCF-style: chr10-118891719-A-G.
Other names: c.*1T>C (NM_199131.3).
Identifiers: ClinVar variation 4998486 (VCV004998486.1).